The following is an entry in ClinVar:

ClinVar aggregate classification (germline): Uncertain significance (1 of 4 stars; one submission).

Conditions:
H syndrome. Also called: FAISALABAD HISTIOCYTOSIS; HISTIOCYTOSIS AND LYMPHADENOPATHY WITH OR WITHOUT CUTANEOUS, CARDIAC, AND/OR ENDOCRINE FEATURES, JOINT CONTRACTURES, AND/OR DEAFNESS; HYPERPIGMENTATION, CUTANEOUS, WITH HYPERTRICHOSIS, HEPATOSPLENOMEGALY, HEART ANOMALIES, AND HYPOGONADISM WITH OR WITHOUT HEARING LOSS; PIGMENTED HYPERTRICHOSIS WITH INSULIN-DEPENDENT DIABETES MELLITUS; ROSAI-DORFMAN DISEASE, FAMILIAL; SINUS HISTIOCYTOSIS AND MASSIVE LYMPHADENOPATHY. Identifiers: Orphanet 168569, MedGen C1864445, MONDO:0011273, OMIM 602782.

Allele frequency attached by ClinVar (database versions not stated): TOPMed below 0.00001.
gnomAD v4.1: 1 of 1,612,824 alleles (0.000062%); no homozygotes.

Submission:

Labcorp Genetics (formerly Invitae), Labcorp
Classification: Uncertain significance for H syndrome. Last evaluated: 2024-10-23. Review status: criteria provided, single submitter. Criteria: Invitae Variant Classification Sherloc (09022015). Collection method: clinical testing. Allele origin: germline.
Comment: This sequence change replaces isoleucine, which is neutral and non-polar, with methionine, which is neutral and non-polar, at codon 99 of the SLC29A3 protein (p.Ile99Met). This variant is not present in population databases (gnomAD no frequency). This variant has not been reported in the literature in individuals affected with SLC29A3-related conditions. Invitae Evidence Modeling of protein sequence and biophysical properties (such as structural, functional, and spatial information, amino acid conservation, physicochemical variation, residue mobility, and thermodynamic stability) indicates that this missense variant is not expected to disrupt SLC29A3 protein function with a negative predictive value of 80%. In summary, the available evidence is currently insufficient to determine the role of this variant in disease. Therefore, it has been classified as a Variant of Uncertain Significance.

NM_018344.6(SLC29A3):c.297C>G (p.Ile99Met)

Gene: SLC29A3 (solute carrier family 29 member 3; plus strand). Cytogenetic location: 10q22.1.
Variant type: single nucleotide variant.
Coding change: c.297C>G on transcript NM_018344.6 (MANE Select); coding-DNA position 297, C replaced by G.
Protein change: p.Ile99Met; replaces isoleucine 99 with methionine.
Molecular consequence: missense variant. On other transcripts: non-coding transcript variant (2).
Genome position (GRCh38, 1-based): chr10:71,323,051, C>G. VCF-style: chr10-71323051-C-G. GRCh37 (hg19) VCF-style: chr10-73082808-C-G.
Other names: c.297C>G, p.Ile99Met (NM_001174098.2); c.63C>G, p.Ile21Met (NM_001363518.2); short protein forms I21M, I99M.
Identifiers: ClinVar variation 2899061 (VCV002899061.3), dbSNP rs1307686188, ClinGen allele CA377129495.